The following is an entry in ClinVar:

NM_006295.3(VARS1):c.662-2A>C

Genes: VARS1 (valyl-tRNA synthetase 1; minus strand), LOC126859651 (CDK7 strongly-dependent group 2 enhancer GRCh37_chr6:31759783-31760982; plus strand). Cytogenetic location: 6p21.33.
Variant type: single nucleotide variant.
Coding change: c.662-2A>C on transcript NM_006295.3 (MANE Select); the canonical splice acceptor site of the intron before coding-DNA position 662, A replaced by C.
Molecular consequence: splice acceptor variant.
Genome position (GRCh38, 1-based): chr6:31,792,518, T>G on the plus strand (A>C on the coding strand, the complement: VARS1 is on the minus strand). VCF-style: chr6-31792518-T-G. GRCh37 (hg19) VCF-style: chr6-31760295-T-G.
Identifiers: ClinVar variation 2200634 (VCV002200634.1), dbSNP rs2480925588, ClinGen allele CA363478944.

ClinVar aggregate classification (germline): Likely pathogenic (1 of 4 stars; one submission).

Submission:

Labcorp Genetics (formerly Invitae), Labcorp
Classification: Likely pathogenic. Last evaluated: 2022-07-05. Review status: criteria provided, single submitter. Criteria: Invitae Variant Classification Sherloc (09022015). Collection method: clinical testing. Allele origin: germline.
Comment: This sequence change affects an acceptor splice site in intron 4 of the VARS gene. It is expected to disrupt RNA splicing. Variants that disrupt the donor or acceptor splice site typically lead to a loss of protein function (PMID: 16199547), and loss-of-function variants in VARS are known to be pathogenic (PMID: 30755602, 30755616). This variant is not present in population databases (gnomAD no frequency). This variant has not been reported in the literature in individuals affected with VARS-related conditions. Algorithms developed to predict the effect of sequence changes on RNA splicing suggest that this variant may disrupt the consensus splice site. In summary, the currently available evidence indicates that the variant is pathogenic, but additional data are needed to prove that conclusively. Therefore, this variant has been classified as Likely Pathogenic.

Literature cited by the submitters: PubMed 16199547; PubMed 30755602; PubMed 30755616.